The following is an entry in ClinVar:

NM_006118.4(HAX1):c.32T>C (p.Phe11Ser)

Gene: HAX1 (HCLS1 associated protein X-1; plus strand). Cytogenetic location: 1q21.3.
Variant type: single nucleotide variant.
Coding change: c.32T>C on transcript NM_006118.4 (MANE Select); coding-DNA position 32, T replaced by C.
Protein change: p.Phe11Ser; replaces phenylalanine 11 with serine.
Molecular consequence: missense variant.
Genome position (GRCh38, 1-based): chr1:154,272,755, T>C. VCF-style: chr1-154272755-T-C. GRCh37 (hg19) VCF-style: chr1-154245231-T-C.
Other names: c.32T>C, p.Phe11Ser (NM_001018837.2); short protein forms F11S.
Identifiers: ClinVar variation 2004543 (VCV002004543.4), dbSNP rs2524924517, ClinGen allele CA342591130.

ClinVar aggregate classification (germline): Uncertain significance (1 of 4 stars; one submission).

Conditions:
Kostmann syndrome (SCN3). Also called: Autosomal recessive severe congenital neutropenia type 3; KOSTMANN DISEASE. Identifiers: Orphanet 99749, MedGen C5235141, MONDO:0012548, OMIM 610738.

Allele frequency attached by ClinVar (database versions not stated): gnomAD exomes below 0.00001.
gnomAD v4.1: 1 of 1,614,212 alleles (0.000062%); highest among the groups gnomAD compares: Non-Finnish European, 0.000085%; no homozygotes.

Submission:

Labcorp Genetics (formerly Invitae), Labcorp
Classification: Uncertain significance for Kostmann syndrome. Last evaluated: 2022-07-15. Review status: criteria provided, single submitter. Criteria: Invitae Variant Classification Sherloc (09022015). Collection method: clinical testing. Allele origin: germline.
Comment: In summary, the available evidence is currently insufficient to determine the role of this variant in disease. Therefore, it has been classified as a Variant of Uncertain Significance. Algorithms developed to predict the effect of missense changes on protein structure and function are either unavailable or do not agree on the potential impact of this missense change (SIFT: "Deleterious"; PolyPhen-2: "Probably Damaging"; Align-GVGD: "Class C0"). This variant has not been reported in the literature in individuals affected with HAX1-related conditions. This variant is not present in population databases (gnomAD no frequency). This sequence change replaces phenylalanine, which is neutral and non-polar, with serine, which is neutral and polar, at codon 11 of the HAX1 protein (p.Phe11Ser).